The following is an entry in ClinVar:

ClinVar aggregate classification (germline): Conflicting classifications of pathogenicity. Review status: criteria provided, conflicting classifications (1 of 4 stars). 3 submissions from 3 submitters: Pathogenic (1); Uncertain significance (2). Last evaluated 2026-06-18.

Conditions:
Basal cell nevus syndrome 1 (BCNS1). Also called: GORLIN-GOLTZ SYNDROME; MULTIPLE BASAL CELL NEVI, ODONTOGENIC KERATOCYSTS, AND SKELETAL ANOMALIES. Identifiers: MedGen CN376810, MONDO:0958174, OMIM 109400.
Gorlin syndrome. Also called: Nevoid Basal Cell Carcinoma Syndrome; Basal cell nevus syndrome. Identifiers: Orphanet 377, MedGen C0004779, MONDO:0007187.

Submissions (3):

Institute of Human Genetics, University of Leipzig Medical Center
Classification: Pathogenic for Basal cell nevus syndrome 1. Last evaluated: 2026-06-18. Review status: criteria provided, single submitter. Criteria: ACMG Guidelines, 2015. Collection method: clinical testing. Allele origin: unknown. Inheritance: Autosomal dominant inheritance. Affected: yes.
Comment: Criteria applied: PVS1,PM2_SUP,PP4

CeGaT Center for Human Genetics Tuebingen
Classification: Uncertain significance. Last evaluated: 2025-09-01. Review status: criteria provided, single submitter. Criteria: CeGaT Center For Human Genetics Tuebingen Variant Classification Criteria Version 2. Collection method: clinical testing. Allele origin: germline. Affected: yes. Observed: 1 variant allele.
Comment: PTCH2: PM2

Labcorp Genetics (formerly Invitae), Labcorp
Classification: Uncertain significance for Gorlin syndrome. Last evaluated: 2021-01-08. Review status: criteria provided, single submitter. Criteria: Invitae Variant Classification Sherloc (09022015). Collection method: clinical testing. Allele origin: germline.
Comment: This sequence change creates a premature translational stop signal (p.Val433Thrfs*36) in the PTCH2 gene. It is expected to result in an absent or disrupted protein product. However, the current clinical and genetic evidence is not sufficient to establish whether loss-of-function variants in PTCH2 cause disease. In summary, the available evidence is currently insufficient to determine the role of this variant in disease. Therefore, it has been classified as a Variant of Uncertain Significance. This variant has not been reported in the literature in individuals with PTCH2-related conditions. The frequency data for this variant in the population databases is considered unreliable, as metrics indicate poor data quality at this position in the ExAC database.

NM_003738.5(PTCH2):c.1296_1305delinsCACCA (p.Val433fs)

Gene: PTCH2 (patched 2; minus strand). Cytogenetic location: 1p34.1.
Variant type: Indel.
Coding change: c.1296_1305delinsCACCA on transcript NM_003738.5 (MANE Select); coding-DNA positions 1296 to 1305, GGTGGCCCTG replaced by CACCA.
Protein change: p.Val433fs; shifts the reading frame from valine 433.
Molecular consequence: frameshift variant.
Genome position (GRCh38, 1-based): chr1:44,829,223-44,829,232, CAGGGCCACC replaced by TGGTG on the plus strand (GGTGGCCCTG replaced by CACCA on the coding strand, the reverse complement: PTCH2 is on the minus strand). VCF-style: chr1-44829223-CAGGGCCACC-TGGTG. GRCh37 (hg19) VCF-style: chr1-45294895-CAGGGCCACC-TGGTG.
Other names: c.1296_1305delinsCACCA, p.Val433fs (NM_001166292.2); short protein forms V433fs.
Identifiers: ClinVar variation 651390 (VCV000651390.16), dbSNP rs1573648653, ClinGen allele CA915941252.
Genomic context (GRCh38, chr1:44,829,223, plus strand): 5'-AGTGGCAGCATTGAAGGTGATGCCGAGCAGGGCACAGAGCCCAAGGCCTGAGGCCACCGC[CAGGGCCACC>TGGTG]AGCAGTACCCCGGCAAGGCCCACGGAACCCTGGGACTGGGCGCAGTCCCACCGCAGCATG-3'